The following is an entry in ClinVar:

NM_001386094.1(AGBL1):c.2748C>A (p.Ile916=)

Gene: AGBL1 (AGBL carboxypeptidase 1; plus strand). Cytogenetic location: 15q25.3.
Variant type: single nucleotide variant.
Coding change: c.2748C>A on transcript NM_001386094.1 (MANE Select); coding-DNA position 2748, C replaced by A.
Protein change: p.Ile916=; no amino-acid change (isoleucine 916 retained).
Molecular consequence: synonymous variant.
Genome position (GRCh38, 1-based): chr15:86,546,064, C>A. VCF-style: chr15-86546064-C-A. GRCh37 (hg19) VCF-style: chr15-87089295-C-A.
Other names: c.2748C>A, p.Ile916= (NM_152336.4).
Identifiers: ClinVar variation 4979966 (VCV004979966.1).

ClinVar aggregate classification (germline): Likely benign (1 of 4 stars; one submission).

Conditions:
AGBL1-related disorder. Also called: AGBL1-related condition.

gnomAD v4.1: 201 of 1,613,342 alleles (0.012%); highest among the groups gnomAD compares: Middle Eastern, 0.2%; 1 homozygote.

Submission:

PreventionGenetics, part of Exact Sciences
Classification: Likely benign for AGBL1-related condition. Last evaluated: 2026-04-27. Review status: criteria provided, single submitter. Criteria: ACMG Guidelines, 2015. Collection method: clinical testing. Allele origin: germline.
Comment: This variant is classified as likely benign based on ACMG/AMP sequence variant interpretation guidelines (Richards et al. 2015 PMID: 25741868, with internal and published modifications).